The following is an entry in ClinVar:

ClinVar aggregate classification (germline): Uncertain significance (1 of 4 stars; one submission).

Conditions:
Hereditary cancer-predisposing syndrome. Also called: Hereditary Cancer Syndrome; Hereditary neoplastic syndrome; Neoplastic Syndromes, Hereditary; Tumor predisposition. Identifiers: Orphanet 140162, MedGen C0027672, MeSH D009386, MONDO:0015356.

Submission:

Ambry Genetics
Classification: Uncertain significance for Hereditary cancer-predisposing syndrome. Last evaluated: 2025-08-19. Review status: criteria provided, single submitter. Criteria: Ambry Variant Classification Scheme 2023. Collection method: clinical testing. Allele origin: germline.
Comment: The p.L760P variant (also known as c.2279T>C), located in coding exon 13 of the ALK gene, results from a T to C substitution at nucleotide position 2279. The leucine at codon 760 is replaced by proline, an amino acid with similar properties. This amino acid position is conserved. In addition, this alteration is predicted to be tolerated by in silico analysis. Based on the available evidence, the clinical significance of this variant remains unclear.

NM_004304.5(ALK):c.2279T>C (p.Leu760Pro)

Gene: ALK (ALK receptor tyrosine kinase; minus strand). Cytogenetic location: 2p23.2.
Variant type: single nucleotide variant.
Coding change: c.2279T>C on transcript NM_004304.5 (MANE Select); coding-DNA position 2279, T replaced by C.
Protein change: p.Leu760Pro; replaces leucine 760 with proline.
Molecular consequence: missense variant.
Genome position (GRCh38, 1-based): chr2:29,239,756, A>G on the plus strand (T>C on the coding strand, the complement: ALK is on the minus strand). VCF-style: chr2-29239756-A-G. GRCh37 (hg19) VCF-style: chr2-29462622-A-G.
Other names: short protein forms L760P.
Identifiers: ClinVar variation 4272940 (VCV004272940.1).
Genomic context (GRCh38, chr2:29,239,756, plus strand): 5'-TCTCCCTGCTGCCCAACCAGGATGTACAGCATGTCATCCTTCTCCAGGTTGAAGATGCCC[A>G]GCACAGACACGCCGTGGGACCGCATCATGGTGTTCTTCCCGCCTTTCCCGCCAGCAGCTC-3'
Protein context (NP_004295.2, residues 750-770): TMMRSHGVSV[Leu760Pro]GIFNLEKDDM